The following is an entry in ClinVar:

ClinVar aggregate classification (germline): Benign (0 of 4 stars; one submission).

Conditions:
CD6-related disorder. Also called: CD6-related condition.

Allele frequency attached by ClinVar (database versions not stated): ExAC 0.00064; 1000 Genomes Project 0.00140; 1000 Genomes Project 30x 0.00141; gnomAD exomes 0.00018; ESP Exome Variant Server 0.00208; gnomAD 0.00218.
gnomAD v4.1: 596 of 1,613,708 alleles (0.037%); highest among the groups gnomAD compares: African/African-American, 0.68%; 2 homozygotes.

Submission:

PreventionGenetics, part of Exact Sciences
Classification: Benign for CD6-related condition. Last evaluated: 2019-08-20. Review status: no assertion criteria provided. Collection method: clinical testing. Allele origin: germline.
Comment: This variant is classified as benign based on ACMG/AMP sequence variant interpretation guidelines (Richards et al. 2015 PMID: 25741868, with internal and published modifications).

NM_006725.5(CD6):c.49+8C>T

Gene: CD6 (CD6 molecule; plus strand). Cytogenetic location: 11q12.2.
Variant type: single nucleotide variant.
Coding change: c.49+8C>T on transcript NM_006725.5 (MANE Select); 8 bases into the intron after coding-DNA position 49, C replaced by T.
Molecular consequence: intron variant.
Genome position (GRCh38, 1-based): chr11:60,971,922, C>T. VCF-style: chr11-60971922-C-T. GRCh37 (hg19) VCF-style: chr11-60739394-C-T.
Other names: c.49+8C>T (NM_001254751.2, NM_001254750.2).
Identifiers: ClinVar variation 3037569 (VCV003037569.2), dbSNP rs145709703, ClinGen allele CA6029846.